The following is an entry in ClinVar:

ClinVar aggregate classification (germline): Uncertain significance (1 of 4 stars; one submission).

Conditions:
Joubert syndrome 21 (JBTS21). Identifiers: MedGen C3810212, MONDO:0014288, OMIM 615636.

Allele frequency attached by ClinVar (database versions not stated): TOPMed 0.00001; gnomAD exomes 0.00001; gnomAD 0.00001.
gnomAD v4.1: 8 of 1,613,818 alleles (0.0005%); highest among the groups gnomAD compares: Non-Finnish European, 0.00068%; no homozygotes.

Submission:

Labcorp Genetics (formerly Invitae), Labcorp
Classification: Uncertain significance for Joubert syndrome 21. Last evaluated: 2022-06-04. Review status: criteria provided, single submitter. Criteria: Invitae Variant Classification Sherloc (09022015). Collection method: clinical testing. Allele origin: germline.
Comment: This sequence change replaces threonine, which is neutral and polar, with isoleucine, which is neutral and non-polar, at codon 1074 of the CSPP1 protein (p.Thr1074Ile). This variant is present in population databases (no rsID available, gnomAD 0.002%). This variant has not been reported in the literature in individuals affected with CSPP1-related conditions. ClinVar contains an entry for this variant (Variation ID: 1372094). Algorithms developed to predict the effect of missense changes on protein structure and function are either unavailable or do not agree on the potential impact of this missense change (SIFT: "Deleterious"; PolyPhen-2: "Probably Damaging"; Align-GVGD: "Class C0"). In summary, the available evidence is currently insufficient to determine the role of this variant in disease. Therefore, it has been classified as a Variant of Uncertain Significance.

NM_001382391.1(CSPP1):c.3236C>T (p.Thr1079Ile)

Genes: ARFGEF1 (ARF guanine nucleotide exchange factor 1; minus strand), CSPP1 (centrosome and spindle pole associated protein 1; plus strand). Cytogenetic location: 8q13.2.
Variant type: single nucleotide variant.
Coding change: c.3236C>T on transcript NM_001382391.1 (MANE Select); coding-DNA position 3236, C replaced by T.
Protein change: p.Thr1079Ile; replaces threonine 1079 with isoleucine.
Molecular consequence: missense variant. On other transcripts: intron variant (2).
Genome position (GRCh38, 1-based): chr8:67,190,665, C>T. VCF-style: chr8-67190665-C-T. GRCh37 (hg19) VCF-style: chr8-68102900-C-T.
Other names: c.2186C>T, p.Thr729Ile (NM_001291339.2); c.3155C>T, p.Thr1052Ile (NM_001363131.2); c.3041C>T, p.Thr1014Ile (NM_001363132.2); c.2960C>T, p.Thr987Ile (NM_001363133.2); c.3302C>T, p.Thr1101Ile (NM_001364869.1); c.3122C>T, p.Thr1041Ile (NM_001364870.1); c.3068C>T, p.Thr1023Ile (NM_001438330.1); c.3221C>T, p.Thr1074Ile (NM_001438331.1, NM_024790.7); and 3 more; short protein forms T1014I, T1052I, T1079I, T987I, T1041I, T1101I, T1074I, T729I.
Identifiers: ClinVar variation 1372094 (VCV001372094.5), dbSNP rs1368965128, ClinGen allele CA371202056.
Genomic context (GRCh38, chr8:67,190,665, plus strand): 5'-TTGAAGCAGTATTAAGACTCCTTCTGCTTTTCGGGGTCCTCTTAGGGGCTTACGGTGAGA[C>T]ATATCCTGCCATTGAAGATGACGTCCTCCCTCCACCATCACAGTTGCCCTCTGCACGGGA-3'
Protein context (NP_001369320.1, residues 1069-1089): DSAFIGAYGE[Thr1079Ile]YPAIEDDVLP